The following is an entry in ClinVar:

ClinVar aggregate classification (germline): Pathogenic (1 of 4 stars; one submission).

Submission:

CeGaT Center for Human Genetics Tuebingen
Classification: Pathogenic. Last evaluated: 2026-03-01. Review status: criteria provided, single submitter. Criteria: CeGaT Center For Human Genetics Tuebingen Variant Classification Criteria Version 2. Collection method: clinical testing. Allele origin: germline. Affected: yes. Observed: 1 variant allele.
Comment: NEXMIF: PVS1, PM2, PS2:Moderate

NM_001008537.3(NEXMIF):c.2552C>A (p.Ser851Ter)

Gene: NEXMIF (neurite extension and migration factor; minus strand). Cytogenetic location: Xq13.3.
Variant type: single nucleotide variant.
Coding change: c.2552C>A on transcript NM_001008537.3 (MANE Select); coding-DNA position 2552, C replaced by A.
Protein change: p.Ser851Ter; replaces serine 851 with a stop codon.
Molecular consequence: nonsense.
Genome position (GRCh38, 1-based): chrX:74,742,005, G>T on the plus strand (C>A on the coding strand, the complement: NEXMIF is on the minus strand). VCF-style: chrX-74742005-G-T. GRCh37 (hg19) VCF-style: chrX-73961840-G-T.
Other names: short protein forms S851*.
Identifiers: ClinVar variation 4822585 (VCV004822585.4).